The following is an entry in ClinVar:

ClinVar aggregate classification (germline): Likely benign (1 of 4 stars; one submission).

gnomAD v4.1: 32 of 1,249,466 alleles (0.0026%); highest among the groups gnomAD compares: Middle Eastern, 0.023%; no homozygotes.

Submission:

CeGaT Center for Human Genetics Tuebingen
Classification: Likely benign. Last evaluated: 2024-10-01. Review status: criteria provided, single submitter. Criteria: CeGaT Center For Human Genetics Tuebingen Variant Classification Criteria Version 2. Collection method: clinical testing. Allele origin: germline. Affected: yes. Observed: 2 variant alleles.
Comment: INS-IGF2: BP4, BP7

NM_001042376.3(INS-IGF2):c.555G>A (p.Val185=)

Genes: IGF2 (insulin like growth factor 2; minus strand), IGF2-AS (IGF2 antisense RNA; plus strand), INS-IGF2 (INS-IGF2 readthrough; minus strand). Cytogenetic location: 11p15.5.
Variant type: single nucleotide variant.
Coding change: c.555G>A on transcript NM_001042376.3; coding-DNA position 555, G replaced by A.
Protein change: p.Val185=; no amino-acid change (valine 185 retained).
Molecular consequence: synonymous variant. On other transcripts: 5 prime UTR variant (1), non-coding transcript variant (3).
Genome position (GRCh38, 1-based): chr11:2,147,660, C>T on the plus strand (G>A on the coding strand, the complement: INS-IGF2 is on the minus strand). VCF-style: chr11-2147660-C-T. GRCh37 (hg19) VCF-style: chr11-2168890-C-T.
Other names: c.-101G>A (NM_001007139.6).
Identifiers: ClinVar variation 3388777 (VCV003388777.14).